The following is an entry in ClinVar:

NM_004993.6(ATXN3):c.642A>G (p.Glu214=)

Gene: ATXN3 (ataxin 3; minus strand). Cytogenetic location: 14q32.12.
Variant type: single nucleotide variant.
Coding change: c.642A>G on transcript NM_004993.6 (MANE Select); coding-DNA position 642, A replaced by G.
Protein change: p.Glu214=; no amino-acid change (glutamic acid 214 retained).
Molecular consequence: synonymous variant. On other transcripts: non-coding transcript variant (18), intron variant (5).
Genome position (GRCh38, 1-based): chr14:92,082,433, T>C on the plus strand (A>G on the coding strand, the complement: ATXN3 is on the minus strand). VCF-style: chr14-92082433-T-C. GRCh37 (hg19) VCF-style: chr14-92548777-T-C.
Other names: c.597A>G, p.Glu199= (NM_001127696.2); c.489A>G, p.Glu163= (NM_001127697.3); c.-82A>G (NM_001164775.1); c.279A>G, p.Glu93= (NM_001164779.2); c.105A>G, p.Glu35= (NM_001164780.2); c.432A>G, p.Glu144= (NM_001164781.2); c.642A>G, p.Glu214= (NM_001424070.1); c.477A>G, p.Glu159= (NM_030660.5); and 5 more.
Identifiers: ClinVar variation 3052535 (VCV003052535.2), dbSNP rs142148800, ClinGen allele CA7314545.
Genomic context (GRCh38, chr14:92,082,433, plus strand): 5'-TGCCAGAGCCCTCTGCAAATCCTCCTCATCTTCGTCTAACATTCCTGAGCCATCATTTGC[T>C]TCTAACACTCGTTCCAGGTCTGTTTTATGGACTCTAAAGAACAAAAGCACTGGTAATAAC-3'
Protein context (NP_004984.2, residues 204-224): VHKTDLERVL[Glu214=]ANDGSGMLDE

ClinVar aggregate classification (germline): Likely benign (0 of 4 stars; one submission).

Conditions:
ATXN3-related disorder. Also called: ATXN3-related condition.

Allele frequency attached by ClinVar (database versions not stated): 1000 Genomes Project 30x 0.00016; 1000 Genomes Project 0.00020; gnomAD 0.00023; TOPMed 0.00025; ESP Exome Variant Server 0.00031.
gnomAD v4.1: 59 of 1,614,162 alleles (0.0037%); highest among the groups gnomAD compares: African/African-American, 0.073%; no homozygotes.

Submission:

PreventionGenetics, part of Exact Sciences
Classification: Likely benign for ATXN3-related condition. Last evaluated: 2019-08-27. Review status: no assertion criteria provided. Collection method: clinical testing. Allele origin: germline.
Comment: This variant is classified as likely benign based on ACMG/AMP sequence variant interpretation guidelines (Richards et al. 2015 PMID: 25741868, with internal and published modifications).